The following is an entry in ClinVar:

NM_004655.4(AXIN2):c.2062C>T (p.Leu688=)

Gene: AXIN2 (axin 2; minus strand). Cytogenetic location: 17q24.1.
Variant type: single nucleotide variant.
Coding change: c.2062C>T on transcript NM_004655.4 (MANE Select); coding-DNA position 2062, C replaced by T.
Protein change: p.Leu688=; no amino-acid change (leucine 688 retained).
Molecular consequence: synonymous variant.
Genome position (GRCh38, 1-based): chr17:65,536,399, G>A on the plus strand (C>T on the coding strand, the complement: AXIN2 is on the minus strand). VCF-style: chr17-65536399-G-A. GRCh37 (hg19) VCF-style: chr17-63532517-G-A.
Other names: c.2062C>T (LRG_296t1); c.1867C>T, p.Leu623= (NM_001363813.1).
Identifiers: ClinVar variation 259514 (VCV000259514.30), dbSNP rs35415678, ClinGen allele CA8718420.

ClinVar aggregate classification (germline): Benign/Likely benign. Review status: criteria provided, multiple submitters, no conflicts (2 of 4 stars). 15 submissions from 15 submitters: Benign (11); Likely benign (1). 3 of the submissions do not count toward it. Last evaluated 2026-02-04.

Conditions:
Hereditary cancer-predisposing syndrome. Also called: Tumor predisposition; Hereditary neoplastic syndrome; Hereditary Cancer Syndrome; Neoplastic Syndromes, Hereditary. Identifiers: Orphanet 140162, MedGen C0027672, MeSH D009386, MONDO:0015356.
Oligodontia-cancer predisposition syndrome. Also called: TOOTH AGENESIS-COLORECTAL CANCER SYNDROME. Identifiers: Orphanet 300576, MedGen C1837750, MONDO:0012075, OMIM 608615. Disease mechanism: loss of function.

Allele frequency attached by ClinVar (database versions not stated): gnomAD 0.11147 and 0.11118; TOPMed 0.12048; 1000 Genomes Project 0.16434; 1000 Genomes Project 30x 0.16693; gnomAD exomes 0.05928 and 0.09107; ExAC 0.09047; ESP Exome Variant Server 0.09666.

Submissions (15):

Labcorp Genetics (formerly Invitae), Labcorp
Classification: Benign for Oligodontia-cancer predisposition syndrome. Last evaluated: 2026-02-04. Review status: criteria provided, single submitter. Criteria: Invitae Variant Classification Sherloc (09022015). Collection method: clinical testing. Allele origin: germline.

GeneKor MSA
Classification: Benign for Hereditary cancer-predisposing syndrome. Last evaluated: 2025-07-10. Review status: criteria provided, single submitter. Criteria: ACMG Guidelines, 2015. Collection method: clinical testing. Allele origin: germline.

Blueprint Genetics
Classification: Likely benign. Last evaluated: 2024-11-27. Review status: criteria provided, single submitter. Criteria: ACMG Guidelines, 2015. Collection method: clinical testing. Allele origin: germline.

Myriad Genetics, Inc.
Classification: Benign for Oligodontia-cancer predisposition syndrome. Last evaluated: 2024-07-09. Review status: criteria provided, single submitter. Criteria: Myriad Autosomal Dominant, Autosomal Recessive and X-Linked Classification Criteria (2023). Collection method: clinical testing. Allele origin: unknown.
Comment: This variant is considered benign. This variant is a silent/synonymous amino acid change and it is not expected to impact splicing.

Hereditary Cancer Laboratory, Hospital Universitario 12 de Octubre
Classification: Benign for Hereditary cancer-predisposing syndrome. Last evaluated: 2024-05-28. Review status: criteria provided, single submitter. Criteria: ACMG Guidelines, 2015. Collection method: clinical testing. Allele origin: germline.
Comment: BA1,BP4,BP6

KCCC/NGS Laboratory, Kuwait Cancer Control Center
Classification: Benign for Oligodontia-cancer predisposition syndrome. Last evaluated: 2023-07-07. Review status: criteria provided, single submitter. Criteria: ACMG Guidelines, 2015. Collection method: clinical testing. Allele origin: germline. Affected: yes.

Ambry Genetics
Classification: Benign for Hereditary cancer-predisposing syndrome. Last evaluated: 2019-08-19. Review status: criteria provided, single submitter. Criteria: Ambry Variant Classification Scheme 2023. Collection method: clinical testing. Allele origin: germline.

Illumina Laboratory Services, Illumina
Classification: Benign for Oligodontia-cancer predisposition syndrome. Last evaluated: 2018-03-06. Review status: criteria provided, single submitter. Criteria: ICSL Variant Classification Criteria 13 December 2019. Collection method: clinical testing. Allele origin: germline.
Comment: This variant was observed in the ICSL laboratory as part of a predisposition screen in an ostensibly healthy population. It had not been previously curated by ICSL or reported in the Human Gene Mutation Database (HGMD: prior to June 1st, 2018), and was therefore a candidate for classification through an automated scoring system. Utilizing variant allele frequency, disease prevalence and penetrance estimates, and inheritance mode, an automated score was calculated to assess if this variant is too frequent to cause the disease. Based on the score and internal cut-off values, a variant classified as benign is not then subjected to further curation. The score for this variant resulted in a classification of benign for this disease.

Women's Health and Genetics/Laboratory Corporation of America, LabCorp
Classification: Benign. Last evaluated: 2016-04-28. Review status: criteria provided, single submitter. Criteria: LabCorp Variant Classification Summary - May 2015. Collection method: clinical testing. Allele origin: germline.
Comment: Variant summary: The c.2062C>T in AXIN2 gene is a synonymous change that involves a conserved nucleotide. 5/5 splice-site tools in Alamut predict this variant not to have an impact on normal splicing. The variant is present in the control population dataset of ExAC at an allele frequency of 9%. The observed frequency greatly exceeds the maximum expected allele frequency for a pathogenic variant of 0.014%, suggesting that it is a benign polymorphism. Classification information about the variant of interest has not been reported by reputable databases/clinical laboratories. Taking together, based on the prevalence of this variant in general population the variant was classified as Benign.

GeneDx
Classification: Benign. Last evaluated: 2015-03-03. Review status: criteria provided, single submitter. Criteria: GeneDx Variant Classification Process June 2021. Collection method: clinical testing. Allele origin: germline. Affected: yes.
Comment: This variant is associated with the following publications: (PMID: 16432638, 18790474)

Breakthrough Genomics
Classification: Benign. Review status: criteria provided, single submitter. Criteria: ACMG Guidelines, 2015. Collection method: not provided. Allele origin: germline. Inheritance: Autosomal dominant inheritance. Affected: yes.

PreventionGenetics, part of Exact Sciences
Classification: Benign. Review status: criteria provided, single submitter. Criteria: ACMG Guidelines, 2015. Collection method: clinical testing. Allele origin: germline.

Clinical Genetics, Academic Medical Center
Classification: Benign. Review status: no assertion criteria provided. Collection method: clinical testing. Allele origin: germline. Affected: yes. Study: VKGL Data-share Consensus. Not counted in ClinVar's aggregate classification.

Genome Diagnostics Laboratory, University Medical Center Utrecht
Classification: Benign. Review status: no assertion criteria provided. Collection method: clinical testing. Allele origin: germline. Affected: yes. Study: VKGL Data-share Consensus. Not counted in ClinVar's aggregate classification.

Mayo Clinic Laboratories, Mayo Clinic
Classification: Benign. Review status: no assertion criteria provided. Collection method: clinical testing. Allele origin: unknown. Not counted in ClinVar's aggregate classification.